The following is an entry in ClinVar:

NM_001256071.3(RNF213):c.12858G>T (p.Gln4286His)

Genes: RNF213 (ring finger protein 213; plus strand), RNF213-AS1 (RNF213 antisense RNA 1; minus strand). Cytogenetic location: 17q25.3.
Variant type: single nucleotide variant.
Coding change: c.12858G>T on transcript NM_001256071.3 (MANE Select); coding-DNA position 12858, G replaced by T.
Protein change: p.Gln4286His; replaces glutamine 4286 with histidine.
Molecular consequence: missense variant.
Genome position (GRCh38, 1-based): chr17:80,373,081, G>T. VCF-style: chr17-80373081-G-T. GRCh37 (hg19) VCF-style: chr17-78346881-G-T.
Other names: short protein forms Q4286H.
Identifiers: ClinVar variation 1690526 (VCV001690526.2), dbSNP rs2144519655, ClinGen allele CA401410930.
Genomic context (GRCh38, chr17:80,373,081, plus strand): 5'-CTGTATCCGGGTGGAGAACGACTGGCACCGGGTGTACCTGGTGCGGAAGCTCAGCAGCCA[G>T]CGGGGGATGGAGTTCGTGCAGGGCCTCTCCAAGCCCGGCCGCCCGCACCAGTGGGTGTTT-3'
Protein context (NP_001243000.2, residues 4276-4296): RVYLVRKLSS[Gln4286His]RGMEFVQGLS

ClinVar aggregate classification (germline): Uncertain significance (1 of 4 stars; one submission).

Submission:

Laboratorio de Genetica e Diagnostico Molecular, Hospital Israelita Albert Einstein
Classification: Uncertain significance. Last evaluated: 2021-12-06. Review status: criteria provided, single submitter. Criteria: ACMG Guidelines, 2015. Collection method: clinical testing. Allele origin: germline. Affected: yes.
Comment: ACMG classification criteria: PM2, BP4